The following is an entry in ClinVar:

ClinVar aggregate classification (germline): Pathogenic (1 of 4 stars; one submission).

Submission:

CeGaT Center for Human Genetics Tuebingen
Classification: Pathogenic. Last evaluated: 2022-10-01. Review status: criteria provided, single submitter. Criteria: CeGaT Center For Human Genetics Tuebingen Variant Classification Criteria Version 2. Collection method: clinical testing. Allele origin: germline. Affected: yes. Observed: 1 variant allele.
Comment: ADAM9: PVS1, PM2

NC_000008.11:g.39018852GA[1]

Gene: ADAM9 (ADAM metallopeptidase domain 9; plus strand). Cytogenetic location: 8p11.22.
Variant type: Microsatellite.
Genome position: GRCh38 VCF-style: chr8-39018850-CAG-C. GRCh37 (hg19) VCF-style: chr8-38876369-CAG-C.
Identifiers: ClinVar variation 1879709 (VCV001879709.29), dbSNP rs2491985371, ClinGen allele CA2580614337.
Genomic context (GRCh38, chr8:39,018,850, plus strand): 5'-ATTAGGATGTGATCATAGCCTTATAACTTCCTTTTGCCTTTATGATGTTTGTGTTTTTGA[CAG>C]AGAAGAAGAGCTGTCTTGCCACAGACCCGGTATGTGGAGCTGTTCATTGTCGTAGACAAG-3'